The following is an entry in ClinVar:

NM_000352.6(ABCC8):c.1333-1014G>C

Gene: ABCC8 (ATP binding cassette subfamily C member 8; minus strand). Cytogenetic location: 11p15.1.
Variant type: single nucleotide variant.
Coding change: c.1333-1014G>C on transcript NM_000352.6 (MANE Select); 1014 bases into the intron before coding-DNA position 1333, G replaced by C.
Molecular consequence: intron variant.
Genome position (GRCh38, 1-based): chr11:17,444,326, C>G on the plus strand (G>C on the coding strand, the complement: ABCC8 is on the minus strand). VCF-style: chr11-17444326-C-G. GRCh37 (hg19) VCF-style: chr11-17465873-C-G.
Other names: c.1330-1014G>C (NM_001351297.2, NM_001351296.2); c.1333-1014G>C (NM_001351295.2, NM_001287174.3).
Identifiers: ClinVar variation 3347846 (VCV003347846.1).

ClinVar aggregate classification (germline): Likely benign (0 of 4 stars; one submission).

Conditions:
ABCC8-related disorder.

gnomAD v4.1: 3 of 152,272 alleles (0.002%); highest among the groups gnomAD compares: Non-Finnish European, 0.0044%; no homozygotes.

Submission:

PreventionGenetics, part of Exact Sciences
Classification: Likely benign for ABCC8-related condition. Last evaluated: 2020-03-24. Review status: no assertion criteria provided. Collection method: clinical testing. Allele origin: germline.
Comment: This variant is classified as likely benign based on ACMG/AMP sequence variant interpretation guidelines (Richards et al. 2015 PMID: 25741868, with internal and published modifications).